The following is an entry in ClinVar:

ClinVar aggregate classification (germline): Pathogenic. Review status: criteria provided, multiple submitters, no conflicts (2 of 4 stars). 5 submissions from 4 submitters: Pathogenic (3). 2 of the submissions do not count toward it. Last evaluated 2025-10-29.

Conditions:
Hereditary cancer-predisposing syndrome. Also called: Neoplastic Syndromes, Hereditary; Tumor predisposition; Hereditary Cancer Syndrome; Hereditary neoplastic syndrome. Identifiers: Orphanet 140162, MedGen C0027672, MeSH D009386, MONDO:0015356.
Retinoblastoma (RB1). Also called: RETINOBLASTOMA, SOMATIC. Identifiers: Orphanet 790, MedGen C0035335, MeSH D012175, MONDO:0008380, OMIM 180200, HP:0009919. Disease mechanism: loss of function. Inheritance: Both sporadic and heritable forms are tested..

Submissions (5):

Ambry Genetics
Classification: Pathogenic for Hereditary cancer-predisposing syndrome. Last evaluated: 2025-10-29. Review status: criteria provided, single submitter. Criteria: Ambry Variant Classification Scheme 2023. Collection method: clinical testing. Allele origin: germline.
Comment: The c.1960G>A pathogenic mutation (also known as p.V654M), located in coding exon 19 of the RB1 gene, results from a G to A substitution at nucleotide position 1960. The valine at codon 654 is replaced by methionine, an amino acid with highly similar properties. However, this change occurs in the last base pair of coding exon 19, which makes it likely to have some effect on normal mRNA splicing. RNA studies demonstrated this variant to result in exon 19 skipping (Houdayer C et al. Hum Mutat, 2008 Jul;29:975-82). This variant was reported in individuals with features consistent with RB1-related hereditary retinoblastoma (Nguyen HH et al. Mol Vis, 2018 Mar;24:231-238; Eloy P et al. PLoS Genet, 2016 Feb;12:e1005888; DiMaggio C et al. Epidemiol Rev, 2012 Nov;34:46-56; Nichols KE et al. Hum Mutat, 2005 Jun;25:566-74).This variant is considered to be rare based on population cohorts in the Genome Aggregation Database (gnomAD).This nucleotide position is well conserved in available vertebrate species. This amino acid position is well conserved in available vertebrate species. In silico splice site analysis for this alteration is inconclusive. In addition, as a missense substitution this is predicted to be deleterious by in silico analysis. Based on the supporting evidence, this variant is interpreted as a disease-causing mutation.

Labcorp Genetics (formerly Invitae), Labcorp
Classification: Pathogenic for Retinoblastoma. Last evaluated: 2025-06-17. Review status: criteria provided, single submitter. Criteria: Invitae Variant Classification Sherloc (09022015). Collection method: clinical testing. Allele origin: germline.
Comment: This sequence change replaces valine, which is neutral and non-polar, with methionine, which is neutral and non-polar, at codon 654 of the RB1 protein (p.Val654Met). This variant also falls at the last nucleotide of exon 19, which is part of the consensus splice site for this exon. This variant is not present in population databases (gnomAD no frequency). This missense change has been observed in individual(s) with retinoblastoma (PMID: 14722923, 15884040, 22084214, 26925970, 29568217). It has also been observed in individuals without personal history of RB1-related conditions (PMID:29568217, 22084214, 26925970, 14722923). ClinVar contains an entry for this variant (Variation ID: 100808). An algorithm developed to predict the effect of missense changes on protein structure and function (PolyPhen-2) suggests that this variant is likely to be disruptive. Variants that disrupt the consensus splice site are a relatively common cause of aberrant splicing (PMID: 17576681, 9536098). Algorithms developed to predict the effect of sequence changes on RNA splicing suggest that this variant may disrupt the consensus splice site. This variant disrupts the c.1960G nucleotide in the RB1 gene. Other variant(s) that disrupt this nucleotide have been determined to be pathogenic (PMID: 12541220, 15605413, 18181215, 21615945, 28606269). This suggests that this nucleotide is clinically significant, and that variants that disrupt this position are likely to be disease-causing. For these reasons, this variant has been classified as Pathogenic.

Genetic Diagnostic Laboratory, University of Pennsylvania School of Medicine
Classification: Pathogenic for Retinoblastoma. Last evaluated: 2024-05-20. Review status: criteria provided, single submitter. Criteria: ACMG Guidelines, 2015. Collection method: clinical testing. Allele origin: germline. Affected: yes. Observed: 2 variant alleles.
Comment: Case and Pedigree Information: BILATERAL CASES:0, UNILATERAL CASES:2, TOTAL CASES:2, PEDIGREES:1. ACMG Codes Applied:PVS1, PM2

Richard Lifton Laboratory, Yale University School of Medicine
Classification: Likely pathogenic. Review status: no assertion criteria provided. Collection method: not provided. Allele origin: somatic. Not counted in ClinVar's aggregate classification.
Comment: RB1:p.V654M
ClinVar note: Converted during submission from probable-pathogenic to Likely pathogenic.

Richard Lifton Laboratory, Yale University School of Medicine
Classification: Uncertain significance. Review status: flagged submission. Collection method: not provided. Allele origin: somatic. Not counted in ClinVar's aggregate classification.
ClinVar note: Converted during submission from unknown to Uncertain significance.
ClinVar note: Reason: This record appears to be redundant with a more recent record from the same submitter.
ClinVar note: Notes: SCV000120028 appears to be redundant with SCV000155131.

Literature cited by the submitters: PubMed 15884040 (cited by Ambry Genetics and Labcorp Genetics (formerly Invitae), Labcorp); PubMed 18449911 (cited by Ambry Genetics); PubMed 22084212 (cited by Ambry Genetics); PubMed 26925970 (cited by Ambry Genetics and Labcorp Genetics (formerly Invitae), Labcorp); PubMed 29568217 (cited by Ambry Genetics and Labcorp Genetics (formerly Invitae), Labcorp); PubMed 14722923 (cited by Labcorp Genetics (formerly Invitae), Labcorp); PubMed 22084214 (cited by Labcorp Genetics (formerly Invitae), Labcorp); PubMed 17576681 (cited by Labcorp Genetics (formerly Invitae), Labcorp); PubMed 9536098 (cited by Labcorp Genetics (formerly Invitae), Labcorp); PubMed 12541220 (cited by Labcorp Genetics (formerly Invitae), Labcorp); PubMed 15605413 (cited by Labcorp Genetics (formerly Invitae), Labcorp); PubMed 18181215 (cited by Labcorp Genetics (formerly Invitae), Labcorp); PubMed 21615945 (cited by Labcorp Genetics (formerly Invitae), Labcorp); PubMed 28606269 (cited by Labcorp Genetics (formerly Invitae), Labcorp).

NM_000321.3(RB1):c.1960G>A (p.Val654Met)

Gene: RB1 (RB transcriptional corepressor 1; plus strand). Cytogenetic location: 13q14.2.
Variant type: single nucleotide variant.
Coding change: c.1960G>A on transcript NM_000321.3 (MANE Select); coding-DNA position 1960, G replaced by A.
Protein change: p.Val654Met; replaces valine 654 with methionine.
Molecular consequence: missense variant.
Genome position (GRCh38, 1-based): chr13:48,456,349, G>A. VCF-style: chr13-48456349-G-A. GRCh37 (hg19) VCF-style: chr13-49030485-G-A.
Other names: short protein forms V654M.
Identifiers: ClinVar variation 100808 (VCV000100808.11), dbSNP rs483352690, ClinGen allele CA026413.